The following is an entry in ClinVar:

NM_000257.4(MYH7):c.1208G>T (p.Arg403Leu)

Gene: MYH7 (myosin heavy chain 7; minus strand). Cytogenetic location: 14q11.2.
Variant type: single nucleotide variant.
Coding change: c.1208G>T on transcript NM_000257.4 (MANE Select); coding-DNA position 1208, G replaced by T.
Protein change: p.Arg403Leu; replaces arginine 403 with leucine.
Molecular consequence: missense variant.
Genome position (GRCh38, 1-based): chr14:23,429,278, C>A on the plus strand (G>T on the coding strand, the complement: MYH7 is on the minus strand). VCF-style: chr14-23429278-C-A. GRCh37 (hg19) VCF-style: chr14-23898487-C-A.
Other names: p.R403L:CGG>CTG; c.1208G>T, p.Arg403Leu (LRG_384t1); short protein forms R403L.
Identifiers: ClinVar variation 14101 (VCV000014101.17), dbSNP rs121913624, ClinGen allele CA010374.
Genomic context (GRCh38, chr14:23,429,278, plus strand): 5'-GATGGACCCACCTGCTGGACATTCTGCCCCTTGGTGACGTACTCATTGCCCACTTTCACC[C>A]GAGGGTGGCACAGCCCCTTGAGCAGGTCGGCTGAGTTCAGCCCCATGAGGTAGGCAGACT-3'
Protein context (NP_000248.2, residues 393-413): ADLLKGLCHP[Arg403Leu]VKVGNEYVTK

ClinVar aggregate classification (germline): Pathogenic/Likely pathogenic. Review status: criteria provided, multiple submitters, no conflicts (2 of 4 stars). 5 submissions from 5 submitters: Pathogenic (3); Likely pathogenic (1). 1 of the submissions does not count toward it. Last evaluated 2025-03-23.

Conditions:
Cardiovascular phenotype. Identifiers: MedGen CN230736.
Hypertrophic cardiomyopathy 1 (CMH1). Also called: MYH7-Related Familial Hypertrophic Cardiomyopathy; Familial hypertrophic cardiomyopathy 1. Identifiers: MedGen C3495498, MONDO:0008647, OMIM 192600.
Hypertrophic cardiomyopathy. Also called: HYPERTROPHIC MYOCARDIOPATHY. Identifiers: Orphanet 217569, MedGen C0007194, MeSH D002312, MONDO:0005045, HP:0001639.

Submissions (5):

Labcorp Genetics (formerly Invitae), Labcorp
Classification: Pathogenic for Hypertrophic cardiomyopathy. Last evaluated: 2025-03-23. Review status: criteria provided, single submitter. Criteria: Invitae Variant Classification Sherloc (09022015). Collection method: clinical testing. Allele origin: germline.
Comment: This sequence change replaces arginine, which is basic and polar, with leucine, which is neutral and non-polar, at codon 403 of the MYH7 protein (p.Arg403Leu). This variant is not present in population databases (gnomAD no frequency). This missense change has been observed in individual(s) with hypertrophic cardiomyopathy (PMID: 8254035, 27532257). It has also been observed to segregate with disease in related individuals. ClinVar contains an entry for this variant (Variation ID: 14101). Invitae Evidence Modeling of protein sequence and biophysical properties (such as structural, functional, and spatial information, amino acid conservation, physicochemical variation, residue mobility, and thermodynamic stability) indicates that this missense variant is expected to disrupt MYH7 protein function with a positive predictive value of 95%. This variant disrupts the p.Arg403 amino acid residue in MYH7. Other variant(s) that disrupt this residue have been determined to be pathogenic (PMID: 1638703, 1975517, 12975413, 23751935). This suggests that this residue is clinically significant, and that variants that disrupt this residue are likely to be disease-causing. For these reasons, this variant has been classified as Pathogenic.

Ambry Genetics
Classification: Pathogenic for Cardiovascular phenotype. Last evaluated: 2024-08-16. Review status: criteria provided, single submitter. Criteria: Ambry Variant Classification Scheme 2023. Collection method: clinical testing. Allele origin: germline.
Comment: The p.R403L pathogenic mutation (also known as c.1208G>T), located in coding exon 11 of the MYH7 gene, results from a G to T substitution at nucleotide position 1208. The arginine at codon 403 is replaced by leucine, an amino acid with dissimilar properties. This alteration is located in the myosin head domain, which contains a statistically significant clustering of pathogenic missense variants (Homburger JR et al. Proc Natl Acad Sci U S A, 2016 06;113:6701-6; Walsh R et al. Genet Med, 2017 02;19:192-203; Ambry internal data). This variant has been reported in several unrelated individuals with hypertrophic cardiomyopathy (HCM), and has been reported to segregate with disease in families (Dausse E et al. J. Clin. Invest., 1993 Dec;92:2807-13; al-Mahdawi S et al. Br Heart J, 1994 Aug;72:105-11; Santos S et al. BMC Med. Genet. 2012 Mar;13:17; Walsh R et al. Genet. Med., 2017 02;19:192-203; Cui H et al. Orphanet J Rare Dis. 2019 11;14(1):252; Norrish G et al. Circulation, 2019 07;140:184-192). Two other variants at the same codon, p.R403Q (c.1208G>A) and p.R403W (c.1207C>T), have also been reported in association with HCM (Dausse E et al. J. Clin. Invest., 1993 Dec;92:2807-13; Van Driest SL et al. J. Am. Coll. Cardiol., 2004 Aug;44:602-10). This variant is considered to be rare based on population cohorts in the Genome Aggregation Database (gnomAD). In addition, this alteration is predicted to be deleterious by in silico analysis. Based on the supporting evidence, this alteration is interpreted as a disease-causing mutation.

GeneDx
Classification: Pathogenic. Last evaluated: 2020-05-28. Review status: criteria provided, single submitter. Criteria: GeneDx Variant Classification Process June 2021. Collection method: clinical testing. Allele origin: germline. Affected: yes.
Comment: Not observed in large population cohorts (Lek et al., 2016); In silico analysis supports that this missense variant has a deleterious effect on protein structure/function; This variant is associated with the following publications: (PMID: 30847666, 31006259, 27532257, 15386449, 12707239, 18227814, 24566549, 7731997, 7848420, 8254035)

Stanford Center for Inherited Cardiovascular Disease, Stanford University
Classification: Likely pathogenic. Last evaluated: 2015-06-16. Review status: criteria provided, single submitter. Criteria: ACMG Guidelines, 2015. Collection method: provider interpretation. Allele origin: germline.

OMIM
Classification: Pathogenic for CARDIOMYOPATHY, FAMILIAL HYPERTROPHIC, 1. Last evaluated: 1993-12-01. Review status: no assertion criteria provided. Collection method: literature only. Allele origin: germline. Not counted in ClinVar's aggregate classification.

Literature cited by the submitters: PubMed 8254035 (cited by 3 submitters); PubMed 27532257 (cited by Labcorp Genetics (formerly Invitae), Labcorp and Ambry Genetics); PubMed 1638703 (cited by Labcorp Genetics (formerly Invitae), Labcorp); PubMed 1975517 (cited by Labcorp Genetics (formerly Invitae), Labcorp); PubMed 12975413 (cited by Labcorp Genetics (formerly Invitae), Labcorp); PubMed 23751935 (cited by Labcorp Genetics (formerly Invitae), Labcorp); PubMed 15386449 (cited by Ambry Genetics); PubMed 22429680 (cited by Ambry Genetics); PubMed 31006259 (cited by Ambry Genetics); PubMed 31722741 (cited by Ambry Genetics); PubMed 7848420 (cited by Ambry Genetics).